The following is an entry in ClinVar:

NM_020778.5(ALPK3):c.658C>G (p.Arg220Gly)

Gene: ALPK3 (alpha kinase 3; plus strand). Cytogenetic location: 15q25.3.
Variant type: single nucleotide variant.
Coding change: c.658C>G on transcript NM_020778.5 (MANE Select); coding-DNA position 658, C replaced by G.
Protein change: p.Arg220Gly; replaces arginine 220 with glycine.
Molecular consequence: missense variant.
Genome position (GRCh38, 1-based): chr15:84,839,937, C>G. VCF-style: chr15-84839937-C-G. GRCh37 (hg19) VCF-style: chr15-85383168-C-G.
Other names: short protein forms R220G.
Identifiers: ClinVar variation 2869224 (VCV002869224.3), dbSNP rs763842374, ClinGen allele CA393373244.

ClinVar aggregate classification (germline): Uncertain significance (1 of 4 stars; one submission).

gnomAD v4.1: 18 of 1,613,674 alleles (0.0011%); highest among the groups gnomAD compares: Non-Finnish European, 0.0015%; no homozygotes.

Submission:

Labcorp Genetics (formerly Invitae), Labcorp
Classification: Uncertain significance. Last evaluated: 2023-11-17. Review status: criteria provided, single submitter. Criteria: Invitae Variant Classification Sherloc (09022015). Collection method: clinical testing. Allele origin: germline.
Comment: This sequence change replaces arginine, which is basic and polar, with glycine, which is neutral and non-polar, at codon 422 of the ALPK3 protein (p.Arg422Gly). This variant is not present in population databases (gnomAD no frequency). This variant has not been reported in the literature in individuals affected with ALPK3-related conditions. An algorithm developed to predict the effect of missense changes on protein structure and function (PolyPhen-2) suggests that this variant is likely to be disruptive. In summary, the available evidence is currently insufficient to determine the role of this variant in disease. Therefore, it has been classified as a Variant of Uncertain Significance.